The following is an entry in ClinVar:

NM_002524.5(NRAS):c.74_75delinsTC (p.Gln25Leu)

Gene: NRAS (NRAS proto-oncogene, GTPase; minus strand). Cytogenetic location: 1p13.2.
Variant type: Indel.
Coding change: c.74_75delinsTC on transcript NM_002524.5 (MANE Select); coding-DNA positions 74 to 75, AG replaced by TC.
Protein change: p.Gln25Leu; replaces glutamine 25 with leucine.
Molecular consequence: missense variant.
Genome position (GRCh38, 1-based): chr1:114,716,086-114,716,087, CT replaced by GA on the plus strand (AG replaced by TC on the coding strand, the reverse complement: NRAS is on the minus strand). VCF-style: chr1-114716086-CT-GA. GRCh37 (hg19) VCF-style: chr1-115258707-CT-GA.
Other names: c.74_75delAGinsTC (NM_002524.5); short protein forms Q25L.
Identifiers: ClinVar variation 4756113 (VCV004756113.1).

ClinVar aggregate classification (oncogenicity): Oncogenic (1 of 4 stars; one submission).

Conditions:
Acute myeloid leukemia (AML). Also called: Acute myeloid leukemia, adult; AML adult; Acute non-lymphocytic leukemia; Acute granulocytic leukemia; Leukemia, acute myeloid, somatic; Leukemia, acute myelogenous, somatic. Identifiers: Orphanet 519, MedGen C0023467, MeSH D015470, MONDO:0018874, OMIM 601626, HP:0004808. Disease mechanism: Constitutively activated FLT3.

Submission:

Microbiology and Molecular Biology Lab, Lahore College for Women University
Classification: Oncogenic for Acute myeloid leukemia. Last evaluated: 2025-10-12. Review status: criteria provided, single submitter. Criteria: Assertion Criteria 1.0. Collection method: research. Allele origin: somatic. Affected: yes.
Comment: NRAS Transcript: NM_002524.5 cDNA Change: c.74_75delTCinsAG Protein Change: p.Q25L Mutation Type: Missense synonymous mutation in exon 2, within the GTPase domain and responsible to encode P-loop Genomic Location (GRCh38): chr1:114,716,086_114,716,087delTCinsAG Oncogenicity: Oncogenic NRAS c.74_75delTCinsAG (p.Q25L) is an oncogenic, somatic mutation which is not previously reported in databases such as COSMIC and ClinVar. No approved NRAS-targeted therapies currently exist for this mutation. It may influence prognosis and inform eligibility for clinical trials targeting downstream pathways.